The following is an entry in ClinVar:

ClinVar aggregate classification (germline): Uncertain significance (1 of 4 stars; one submission).

Submission:

Labcorp Genetics (formerly Invitae), Labcorp
Classification: Uncertain significance. Last evaluated: 2022-05-03. Review status: criteria provided, single submitter. Criteria: Invitae Variant Classification Sherloc (09022015). Collection method: clinical testing. Allele origin: germline.
Comment: This sequence change replaces proline, which is neutral and non-polar, with leucine, which is neutral and non-polar, at codon 5138 of the PCLO protein (p.Pro5138Leu). This variant is not present in population databases (gnomAD no frequency). This variant has not been reported in the literature in individuals affected with PCLO-related conditions. Algorithms developed to predict the effect of missense changes on protein structure and function are either unavailable or do not agree on the potential impact of this missense change (SIFT: "Deleterious"; PolyPhen-2: "Not Available"; Align-GVGD: "Class C0"). In summary, the available evidence is currently insufficient to determine the role of this variant in disease. Therefore, it has been classified as a Variant of Uncertain Significance.

NM_033026.6(PCLO):c.15413C>T (p.Pro5138Leu)

Gene: PCLO (piccolo presynaptic cytomatrix protein; minus strand). Cytogenetic location: 7q21.11.
Variant type: single nucleotide variant.
Coding change: c.15413C>T on transcript NM_033026.6 (MANE Select); coding-DNA position 15413, C replaced by T.
Protein change: p.Pro5138Leu; replaces proline 5138 with leucine.
Molecular consequence: missense variant.
Genome position (GRCh38, 1-based): chr7:82,758,591, G>A on the plus strand (C>T on the coding strand, the complement: PCLO is on the minus strand). VCF-style: chr7-82758591-G-A. GRCh37 (hg19) VCF-style: chr7-82387907-G-A.
Other names: short protein forms P5138L.
Identifiers: ClinVar variation 1909421 (VCV001909421.2), dbSNP rs2535086551, ClinGen allele CA368018989.